The following is an entry in ClinVar:

NM_001277115.2(DNAH11):c.3092G>C (p.Arg1031Thr)

Genes: DNAH11 (dynein axonemal heavy chain 11; plus strand), LOC126859961 (BRD4-independent group 4 enhancer GRCh37_chr7:21639662-21640861; plus strand). Cytogenetic location: 7p15.3.
Variant type: single nucleotide variant.
Coding change: c.3092G>C on transcript NM_001277115.2 (MANE Select); coding-DNA position 3092, G replaced by C.
Protein change: p.Arg1031Thr; replaces arginine 1031 with threonine.
Molecular consequence: missense variant.
Genome position (GRCh38, 1-based): chr7:21,600,767, G>C. VCF-style: chr7-21600767-G-C. GRCh37 (hg19) VCF-style: chr7-21640385-G-C.
Other names: short protein forms R1031T.
Identifiers: ClinVar variation 647787 (VCV000647787.10), dbSNP rs1385242394, ClinGen allele CA366945090.

ClinVar aggregate classification (germline): Conflicting classifications of pathogenicity. Review status: criteria provided, conflicting classifications (1 of 4 stars). 2 submissions from 2 submitters: Uncertain significance (1); Likely benign (1). Last evaluated 2025-07-14.

Conditions:
Primary ciliary dyskinesia. Also called: Ciliary dyskinesia. Identifiers: Orphanet 244, MedGen C0008780, MONDO:0016575, HP:0012265.
DNAH11-related disorder. Also called: DNAH11-related condition.

Allele frequency attached by ClinVar (database versions not stated): gnomAD exomes below 0.00001 and 0.00001.
gnomAD v4.1: 8 of 1,613,864 alleles (0.0005%); highest among the groups gnomAD compares: Non-Finnish European, 0.00059%; no homozygotes.

Submissions (2):

PreventionGenetics, part of Exact Sciences
Classification: Uncertain significance for DNAH11-related condition. Last evaluated: 2025-07-14. Review status: criteria provided, single submitter. Criteria: ACMG Guidelines, 2015. Collection method: clinical testing. Allele origin: germline.
Comment: The DNAH11 c.3092G>C variant is predicted to result in the amino acid substitution p.Arg1031Thr. To our knowledge, this variant has not been reported in the literature. This variant is reported in 0.00089% of alleles in individuals of European (Non-Finnish) descent in gnomAD. At this time, the clinical significance of this variant is uncertain due to the absence of conclusive functional and genetic evidence.

Labcorp Genetics (formerly Invitae), Labcorp
Classification: Likely benign for Primary ciliary dyskinesia. Last evaluated: 2022-07-12. Review status: criteria provided, single submitter. Criteria: Invitae Variant Classification Sherloc (09022015). Collection method: clinical testing. Allele origin: germline.